The following is an entry in ClinVar:

NM_004991.4(MECOM):c.2917A>C (p.Asn973His)

Gene: MECOM (MDS1 and EVI1 complex locus; minus strand). Cytogenetic location: 3q26.2.
Variant type: single nucleotide variant.
Coding change: c.2917A>C on transcript NM_004991.4 (MANE Select); coding-DNA position 2917, A replaced by C.
Protein change: p.Asn973His; replaces asparagine 973 with histidine.
Molecular consequence: missense variant.
Genome position (GRCh38, 1-based): chr3:169,095,178, T>G on the plus strand (A>C on the coding strand, the complement: MECOM is on the minus strand). VCF-style: chr3-169095178-T-G. GRCh37 (hg19) VCF-style: chr3-168812966-T-G.
Other names: c.2548A>C, p.Asn850His (NM_001105077.4); c.2353A>C, p.Asn785His (NM_001105078.4, NM_001205194.2, NM_001366469.2 and 1 more transcripts); c.2329A>C, p.Asn777His (NM_001163999.2, NM_001366470.2); c.2326A>C, p.Asn776His (NM_001164000.2, NM_001366471.2, NM_001366472.2); c.2890A>C, p.Asn964His (NM_001366466.2); c.2356A>C, p.Asn786His (NM_001366467.2, NM_001366468.2); c.1918A>C, p.Asn640His (NM_001366473.2); c.1354A>C, p.Asn452His (NM_001366474.2); and 1 more; short protein forms N452H, N640H, N776H, N777H, N785H, N786H, N850H, N964H.
Identifiers: ClinVar variation 2429528 (VCV002429528.2), dbSNP rs200552630, ClinGen allele CA355073942.

ClinVar aggregate classification (germline): Uncertain significance. Review status: criteria provided, multiple submitters, no conflicts (2 of 4 stars). 2 submissions from 2 submitters: Uncertain significance (2). Last evaluated 2026-04-03.

Conditions:
Inborn genetic diseases. Identifiers: MedGen C0950123, MeSH D030342.

Submissions (2):

Ambry Genetics
Classification: Uncertain significance for Inborn genetic diseases. Last evaluated: 2026-04-03. Review status: criteria provided, single submitter. Criteria: Ambry Variant Classification Scheme 2023. Collection method: clinical testing. Allele origin: germline.
Comment: The p.N973H variant (also known as c.2917A>C), located in coding exon 13 of the MECOM gene, results from an A to C substitution at nucleotide position 2917. The asparagine at codon 973 is replaced by histidine, an amino acid with similar properties. This amino acid position is conserved. In addition, this alteration is predicted to be tolerated by in silico analysis. Based on the available evidence, the clinical significance of this variant remains unclear.

GeneDx
Classification: Uncertain significance. Last evaluated: 2022-08-13. Review status: criteria provided, single submitter. Criteria: GeneDx Variant Classification Process June 2021. Collection method: clinical testing. Allele origin: germline. Affected: yes.
Comment: Not observed at significant frequency in large population cohorts (gnomAD); In silico analysis supports that this missense variant has a deleterious effect on protein structure/function; Has not been previously published as pathogenic or benign to our knowledge